The following is an entry in ClinVar:

NM_006279.5(ST3GAL3):c.558-19_562del

Gene: ST3GAL3 (ST3 beta-galactoside alpha-2,3-sialyltransferase 3; plus strand). Cytogenetic location: 1p34.1.
Variant type: Deletion.
Coding change: c.558-19_562del on transcript NM_006279.5 (MANE Select); 19 bases into the intron before coding-DNA position 558 through coding-DNA position 562, 24 bases deleted (GTGGGCCTGCTCTCTGTAGACTGA).
Molecular consequence: splice acceptor variant. On other transcripts: non-coding transcript variant (3), intron variant (7).
Genome position (GRCh38, 1-based): chr1:43,899,522-43,899,545, GTGGGCCTGCTCTCTGTAGACTGA deleted; deleting any 24 consecutive bases within chr1:43,899,518-43,899,545 gives the same sequence; the c. name uses the placement nearest the transcript's 3' end. VCF-style (leftmost placement, unchanged base first): chr1-43899517-TCTGAGTGGGCCTGCTCTCTGTAGA-T. GRCh37 (hg19) VCF-style: chr1-44365189-TCTGAGTGGGCCTGCTCTCTGTAGA-T.
Other names: c.765-19_769del (NM_174963.5); c.603-19_607del (NM_001350619.2, NM_174964.4); c.442+5045_442+5068del (NM_174965.4); c.*22+233_*22+256del (NM_001270465.3); c.554+259_554+282del (NM_001270463.3); c.720-19_724del (NM_174968.5, NM_001363573.2); c.279-19_283del (NM_001350621.2); c.558-19_562del (NM_001350620.2, NM_001270459.2, NM_174966.4); and 8 more.
Identifiers: ClinVar variation 2700534 (VCV002700534.3), dbSNP rs2527100064, ClinGen allele CA2697552399.
Genomic context (GRCh38, chr1:43,899,517, plus strand): 5'-CTATTCTCCATGCCTGGGATAGTCTGGGGTCATGGTGCCTTCCCAAACACAGGCCCAGGC[TCTGAGTGGGCCTGCTCTCTGTAGA>T]CTGAATTCAGCACCAGTGAAAGGCTTTGAGAAGGACGTGGGCAGCAAAACGACACTGCGC-3'

ClinVar aggregate classification (germline): Likely pathogenic (1 of 4 stars; one submission).

Conditions:
Early-infantile DEE. Also called: Ohtahara syndrome; Early infantile epileptic encephalopathy with suppression bursts; Early infantile epileptic encephalopathy. Identifiers: Orphanet 1934, MedGen C0393706, MONDO:0800491.

Submission:

Labcorp Genetics (formerly Invitae), Labcorp
Classification: Likely pathogenic for Early-infantile DEE. Last evaluated: 2023-12-02. Review status: criteria provided, single submitter. Criteria: Invitae Variant Classification Sherloc (09022015). Collection method: clinical testing. Allele origin: germline.
Comment: This variant results in the deletion of part of exon 9 (c.558-19_562del) of the ST3GAL3 gene. It is expected to disrupt RNA splicing. Variants that disrupt the donor or acceptor splice site typically lead to a loss of protein function (PMID: 16199547), and loss-of-function variants in ST3GAL3 are known to be pathogenic (PMID: 31584066). This variant is not present in population databases (gnomAD no frequency). This variant has not been reported in the literature in individuals affected with ST3GAL3-related conditions. In summary, the currently available evidence indicates that the variant is pathogenic, but additional data are needed to prove that conclusively. Therefore, this variant has been classified as Likely Pathogenic.

Literature cited by the submitters: PubMed 16199547; PubMed 31584066.